The following is an entry in ClinVar:

ClinVar aggregate classification (germline): Uncertain significance. Review status: criteria provided, multiple submitters, no conflicts (2 of 4 stars). 4 submissions from 4 submitters: Uncertain significance (4). Last evaluated 2024-03-06.

Conditions:
Catecholaminergic polymorphic ventricular tachycardia (CVPT). Also called: Catecholamine-induced polymorphic ventricular tachycardia. Identifiers: Orphanet 3286, MedGen C5574922, MONDO:0017990.
Cardiovascular phenotype. Identifiers: MedGen CN230736.
Cardiomyopathy (CMYO). Also called: Cardiomyopathies. Identifiers: Orphanet 167848, MedGen C0878544, MONDO:0004994, HP:0001638. Inheritance: Various modes of inheritance.
Catecholaminergic polymorphic ventricular tachycardia 1. Also called: VENTRICULAR TACHYCARDIA, CATECHOLAMINERGIC POLYMORPHIC, 1, WITH OR WITHOUT ATRIAL DYSFUNCTION AND/OR DILATED CARDIOMYOPATHY; RYR2-Related Catecholaminergic Polymorphic Ventricular Tachycardia; VENTRICULAR TACHYCARDIA, STRESS-INDUCED POLYMORPHIC 1. Identifiers: Orphanet 3286, MedGen C1631597, MONDO:0011484, OMIM 604772.

Allele frequency attached by ClinVar (database versions not stated): gnomAD exomes 0.00001; ExAC 0.00003; ESP Exome Variant Server 0.00009; TOPMed below 0.00001; gnomAD 0.00001.
gnomAD v4.1: 9 of 1,585,916 alleles (0.00057%); highest among the groups gnomAD compares: Non-Finnish European, 0.00077%; no homozygotes.

Submissions (4):

Color Diagnostics, LLC DBA Color Health
Classification: Uncertain significance for Cardiomyopathy. Last evaluated: 2024-03-06. Review status: criteria provided, single submitter. Criteria: ACMG Guidelines, 2015. Collection method: clinical testing. Allele origin: germline.
Comment: This missense variant replaces methionine with valine at codon 2757 of the RYR2 protein. Computational prediction suggests that this variant may not impact protein structure and function (internally defined REVEL score threshold <= 0.5, PMID: 27666373). To our knowledge, functional studies have not been reported for this variant. This variant has not been reported in individuals affected with RYR2-related disorders in the literature. This variant has been identified in 3/228492 chromosomes in the general population by the Genome Aggregation Database (gnomAD). The available evidence is insufficient to determine the role of this variant in disease conclusively. Therefore, this variant is classified as a Variant of Uncertain Significance.

Labcorp Genetics (formerly Invitae), Labcorp
Classification: Uncertain significance for Catecholaminergic polymorphic ventricular tachycardia 1. Last evaluated: 2023-11-28. Review status: criteria provided, single submitter. Criteria: Invitae Variant Classification Sherloc (09022015). Collection method: clinical testing. Allele origin: germline.
Comment: This sequence change replaces methionine, which is neutral and non-polar, with valine, which is neutral and non-polar, at codon 2757 of the RYR2 protein (p.Met2757Val). This variant is present in population databases (rs376015452, gnomAD 0.003%). This variant has not been reported in the literature in individuals affected with RYR2-related conditions. ClinVar contains an entry for this variant (Variation ID: 924210). Advanced modeling of protein sequence and biophysical properties (such as structural, functional, and spatial information, amino acid conservation, physicochemical variation, residue mobility, and thermodynamic stability) performed at Invitae indicates that this missense variant is not expected to disrupt RYR2 protein function with a negative predictive value of 95%. In summary, the available evidence is currently insufficient to determine the role of this variant in disease. Therefore, it has been classified as a Variant of Uncertain Significance.

All of Us Research Program, National Institutes of Health
Classification: Uncertain significance for Catecholaminergic polymorphic ventricular tachycardia. Last evaluated: 2023-06-26. Review status: criteria provided, single submitter. Criteria: ACMG Guidelines, 2015. Collection method: clinical testing. Allele origin: germline. Inheritance: Autosomal dominant inheritance. Observed: 1 variant allele, 1 heterozygote.
Comment: This missense variant replaces methionine with valine at codon 2757 of the RYR2 protein. Computational prediction tools and conservation analyses are inconclusive regarding the impact of this variant on the protein function. Computational splicing tools suggest that this variant may not impact RNA splicing. To our knowledge, functional assays have not been performed for this variant nor has this variant been reported in individuals affected with cardiovascular disorders in the literature. This variant has been identified in 3/228492 chromosomes in the general population by the Genome Aggregation Database (gnomAD). Available evidence is insufficient to determine the role of this variant in disease conclusively. Therefore, this variant is classified as a Variant of Uncertain Significance.

This study involves interpretation of variants in research participants for the purpose of population health screening. Participant phenotype was not available at the time of variant classification. Additional details can be found in publication PMID: 35346344, PMCID: PMC8962531

Ambry Genetics
Classification: Uncertain significance for Cardiovascular phenotype. Last evaluated: 2018-08-02. Review status: criteria provided, single submitter. Criteria: Ambry Variant Classification Scheme 2023. Collection method: clinical testing. Allele origin: germline.
Comment: The p.M2757V variant (also known as c.8269A>G), located in coding exon 55 of the RYR2 gene, results from an A to G substitution at nucleotide position 8269. The methionine at codon 2757 is replaced by valine, an amino acid with highly similar properties. This amino acid position is highly conserved through mammals but not in all available vertebrate species. In addition, the in silico prediction for this alteration is inconclusive. Since supporting evidence is limited at this time, the clinical significance of this alteration remains unclear.

NM_001035.3(RYR2):c.8269A>G (p.Met2757Val)

Gene: RYR2 (ryanodine receptor 2; plus strand). Cytogenetic location: 1q43.
Variant type: single nucleotide variant.
Coding change: c.8269A>G on transcript NM_001035.3 (MANE Select); coding-DNA position 8269, A replaced by G.
Protein change: p.Met2757Val; replaces methionine 2757 with valine.
Molecular consequence: missense variant.
Genome position (GRCh38, 1-based): chr1:237,660,045, A>G. VCF-style: chr1-237660045-A-G. GRCh37 (hg19) VCF-style: chr1-237823345-A-G.
Other names: c.8269A>G (NM_001035.2); short protein forms M2757V.
Identifiers: ClinVar variation 924210 (VCV000924210.11), dbSNP rs376015452, ClinGen allele CA087594.
Genomic context (GRCh38, chr1:237,660,045, plus strand): 5'-TTGGCAAATGGATGGATTTATGGAGAAATATATTCAGACTCTTCTAAGGTTCAGCCATTA[A>G]TGAAGCCATATAAGCTATTGTCTGAAAAGGTAAGGATTTTTTGTTTGTTTTAGTTTGTAA-3'
Protein context (NP_001026.2, residues 2747-2767): YSDSSKVQPL[Met2757Val]KPYKLLSEKE